The following is an entry in ClinVar:

NM_003051.4(SLC16A1):c.507C>A (p.Phe169Leu)

Gene: SLC16A1 (solute carrier family 16 member 1; minus strand). Cytogenetic location: 1p13.2.
Variant type: single nucleotide variant.
Coding change: c.507C>A on transcript NM_003051.4 (MANE Select); coding-DNA position 507, C replaced by A.
Protein change: p.Phe169Leu; replaces phenylalanine 169 with leucine.
Molecular consequence: missense variant.
Genome position (GRCh38, 1-based): chr1:112,917,899, G>T on the plus strand (C>A on the coding strand, the complement: SLC16A1 is on the minus strand). VCF-style: chr1-112917899-G-T. GRCh37 (hg19) VCF-style: chr1-113460521-G-T.
Other names: c.507C>A, p.Phe169Leu (NM_001166496.2); short protein forms F169L.
Identifiers: ClinVar variation 2972865 (VCV002972865.3), dbSNP rs376669402, ClinGen allele CA1011416.
Genomic context (GRCh38, chr1:112,917,899, plus strand): 5'-ACAGCAGTTTAGTAGCAAGCCCCCAAGAATTAGAAAGCTTCCTCTCCATCCAAAGATACC[G>T]AAGAAAACCTGATTGAGGGGGGCCAGAGTACAGAGGAACACAGGGCTGCCTGCCATGGCC-3'
Protein context (NP_003042.3, residues 159-179): CTLAPLNQVF[Phe169Leu]GIFGWRGSFL

ClinVar aggregate classification (germline): Uncertain significance (1 of 4 stars; one submission).

Allele frequency attached by ClinVar (database versions not stated): ESP Exome Variant Server 0.00015.
gnomAD v4.1: 49 of 1,607,554 alleles (0.003%); highest among the groups gnomAD compares: Non-Finnish European, 0.00034%; no homozygotes.

Submission:

Labcorp Genetics (formerly Invitae), Labcorp
Classification: Uncertain significance. Last evaluated: 2024-08-02. Review status: criteria provided, single submitter. Criteria: Invitae Variant Classification Sherloc (09022015). Collection method: clinical testing. Allele origin: germline.
Comment: This sequence change replaces phenylalanine, which is neutral and non-polar, with leucine, which is neutral and non-polar, at codon 169 of the SLC16A1 protein (p.Phe169Leu). This variant is present in population databases (rs376669402, gnomAD 0.2%). This variant has not been reported in the literature in individuals affected with SLC16A1-related conditions. An algorithm developed to predict the effect of missense changes on protein structure and function (PolyPhen-2) suggests that this variant is likely to be tolerated. In summary, the available evidence is currently insufficient to determine the role of this variant in disease. Therefore, it has been classified as a Variant of Uncertain Significance.